The following is an entry in ClinVar:

ClinVar aggregate classification (germline): Uncertain significance (1 of 4 stars; one submission).

Conditions:
MEPE-related disorder. Also called: MEPE-related condition.

gnomAD v4.1: 22 of 1,613,064 alleles (0.0014%); highest among the groups gnomAD compares: South Asian, 0.011%; no homozygotes.

Submission:

PreventionGenetics, part of Exact Sciences
Classification: Uncertain significance for MEPE-related condition. Last evaluated: 2026-01-20. Review status: criteria provided, single submitter. Criteria: ACMG Guidelines, 2015. Collection method: clinical testing. Allele origin: germline.
Comment: The MEPE c.733C>A variant is predicted to result in the amino acid substitution p.His245Asn. To our knowledge, this variant has not been reported in the literature. This variant is reported in 0.020% of alleles in individuals of South Asian descent in gnomAD. At this time, the clinical significance of this variant is uncertain due to the absence of conclusive functional and genetic evidence.

NM_020203.6(MEPE):c.640C>A (p.His214Asn)

Genes: MEPE (matrix extracellular phosphoglycoprotein; plus strand), MEPE-AS1 (MEPE and IBSP antisense RNA 1; minus strand). Cytogenetic location: 4q22.1.
Variant type: single nucleotide variant.
Coding change: c.640C>A on transcript NM_020203.6 (MANE Select); coding-DNA position 640, C replaced by A.
Protein change: p.His214Asn; replaces histidine 214 with asparagine.
Molecular consequence: missense variant.
Genome position (GRCh38, 1-based): chr4:87,845,508, C>A. VCF-style: chr4-87845508-C-A. GRCh37 (hg19) VCF-style: chr4-88766660-C-A.
Other names: c.640C>A, p.His214Asn (NM_001184694.3); c.301C>A, p.His101Asn (NM_001184695.4, NM_001184696.2, NM_001184697.2); c.733C>A, p.His245Asn (NM_001291183.2); short protein forms H101N, H214N, H245N.
Identifiers: ClinVar variation 4980817 (VCV004980817.1).